The following is an entry in ClinVar:

NM_001365999.1(SZT2):c.598A>G (p.Met200Val)

Gene: SZT2 (SZT2 subunit of KICSTOR complex; plus strand). Cytogenetic location: 1p34.2.
Variant type: single nucleotide variant.
Coding change: c.598A>G on transcript NM_001365999.1 (MANE Select); coding-DNA position 598, A replaced by G.
Protein change: p.Met200Val; replaces methionine 200 with valine.
Molecular consequence: missense variant.
Genome position (GRCh38, 1-based): chr1:43,415,181, A>G. VCF-style: chr1-43415181-A-G. GRCh37 (hg19) VCF-style: chr1-43880852-A-G.
Other names: c.598A>G, p.Met200Val (NM_015284.4); short protein forms M200V.
Identifiers: ClinVar variation 1750877 (VCV001750877.2), dbSNP rs775062766, ClinGen allele CA808221.

ClinVar aggregate classification (germline): Uncertain significance (1 of 4 stars; one submission).

Conditions:
Inborn genetic diseases. Identifiers: MedGen C0950123, MeSH D030342.

Allele frequency attached by ClinVar (database versions not stated): gnomAD exomes below 0.00001; ExAC 0.00001.
gnomAD v4.1: 1 of 1,598,102 alleles (0.000063%); highest among the groups gnomAD compares: Admixed American, 0.0017%; no homozygotes.

Submission:

Ambry Genetics
Classification: Uncertain significance for Inborn genetic diseases. Last evaluated: 2020-03-30. Review status: criteria provided, single submitter. Criteria: Ambry Variant Classification Scheme 2023. Collection method: clinical testing. Allele origin: germline.
Comment: The p.M200V variant (also known as c.598A>G), located in coding exon 5 of the SZT2 gene, results from an A to G substitution at nucleotide position 598. The methionine at codon 200 is replaced by valine, an amino acid with highly similar properties. This amino acid position is well conserved in available vertebrate species. In addition, this alteration is predicted to be tolerated by in silico analysis. Since supporting evidence is limited at this time, the clinical significance of this alteration remains unclear.